The following is an entry in ClinVar:

ClinVar aggregate classification (germline): Conflicting classifications of pathogenicity. Review status: criteria provided, conflicting classifications (1 of 4 stars). 4 submissions from 3 submitters: Uncertain significance (2); Likely benign (2). Last evaluated 2026-05-14.

Conditions:
DYNC1H1-related disorder. Also called: DYNC1H1-related condition; DYNC1H1-related disorders. Identifiers: MedGen CN381529.
Autosomal dominant cerebellar ataxia. Also called: Spinocerebellar Ataxia, Dominant. Identifiers: Orphanet 99, MedGen C4087347, MONDO:0020380.
Charcot-Marie-Tooth disease axonal type 2O. Also called: Charcot-Marie-Tooth disease, axonal, type 20; CHARCOT-MARIE-TOOTH NEUROPATHY, AXONAL, TYPE 2O; CHARCOT-MARIE-TOOTH DISEASE, AXONAL, AUTOSOMAL DOMINANT, TYPE 2O; Charcot-Marie-Tooth Neuropathy Type 2O. Identifiers: Orphanet 284232, MedGen C3280220, MONDO:0013644, OMIM 614228.

Allele frequency attached by ClinVar (database versions not stated): ExAC 0.00001; gnomAD exomes 0.00001; gnomAD 0.00002; TOPMed 0.00003; ESP Exome Variant Server 0.00008.
gnomAD v4.1: 13 of 1,614,078 alleles (0.00081%); highest among the groups gnomAD compares: East Asian, 0.0045%; no homozygotes.

Submissions (4):

PreventionGenetics, part of Exact Sciences
Classification: Likely benign for DYNC1H1-related condition. Last evaluated: 2026-05-14. Review status: criteria provided, single submitter. Criteria: ACMG Guidelines, 2015. Collection method: clinical testing. Allele origin: germline.
Comment: This variant is classified as likely benign based on ACMG/AMP sequence variant interpretation guidelines (Richards et al. 2015 PMID: 25741868, with internal and published modifications).

Labcorp Genetics (formerly Invitae), Labcorp
Classification: Likely benign for Charcot-Marie-Tooth disease axonal type 2O. Last evaluated: 2026-02-02. Review status: criteria provided, single submitter. Criteria: Invitae Variant Classification Sherloc (09022015). Collection method: clinical testing. Allele origin: germline.

Illumina Laboratory Services, Illumina
Classification: Uncertain significance for Charcot-Marie-Tooth disease axonal type 2O. Last evaluated: 2018-01-13. Review status: criteria provided, single submitter. Criteria: ICSL Variant Classification Criteria 13 December 2019. Collection method: clinical testing. Allele origin: germline.

Illumina Laboratory Services, Illumina
Classification: Uncertain significance for Spinocerebellar Ataxia, Dominant. Last evaluated: 2018-01-13. Review status: criteria provided, single submitter. Criteria: ICSL Variant Classification Criteria 13 December 2019. Collection method: clinical testing. Allele origin: germline.

NM_001376.5(DYNC1H1):c.7077C>T (p.Cys2359=)

Gene: DYNC1H1 (dynein cytoplasmic 1 heavy chain 1; plus strand). Cytogenetic location: 14q32.31.
Variant type: single nucleotide variant.
Coding change: c.7077C>T on transcript NM_001376.5 (MANE Select); coding-DNA position 7077, C replaced by T.
Protein change: p.Cys2359=; no amino-acid change (cysteine 2359 retained).
Molecular consequence: synonymous variant.
Genome position (GRCh38, 1-based): chr14:102,015,167, C>T. VCF-style: chr14-102015167-C-T. GRCh37 (hg19) VCF-style: chr14-102481504-C-T.
Identifiers: ClinVar variation 883113 (VCV000883113.14), dbSNP rs200885538, ClinGen allele CA7352738.